The following is an entry in ClinVar:

NM_058216.3(RAD51C):c.9G>T (p.Gly3=)

Gene: RAD51C (RAD51 paralog C; plus strand). Cytogenetic location: 17q22.
Variant type: single nucleotide variant.
Coding change: c.9G>T on transcript NM_058216.3 (MANE Select); coding-DNA position 9, G replaced by T.
Protein change: p.Gly3=; no amino-acid change (glycine 3 retained).
Molecular consequence: synonymous variant. On other transcripts: non-coding transcript variant (2).
Genome position (GRCh38, 1-based): chr17:58,692,652, G>T. VCF-style: chr17-58692652-G-T. GRCh37 (hg19) VCF-style: chr17-56770013-G-T.
Other names: c.9G>T, p.Gly3= (NM_002876.4).
Identifiers: ClinVar variation 842010 (VCV000842010.13), dbSNP rs751117852, ClinGen allele CA8677117.
Genomic context (GRCh38, chr17:58,692,652, plus strand): 5'-CAGCGAGGGCGTGCGGAGTTTGGCTGCTCCGGGGTTAGCAGGTGAGCCTGCGATGCGCGG[G>T]AAGACGTTCCGCTTTGAAATGCAGCGGGATTTGGTGAGTTTCCCGCTGTCTCCAGCGGTG-3'
Protein context (NP_478123.1, residues 1-13): MR[Gly3=]KTFRFEMQRD

ClinVar aggregate classification (germline): Benign/Likely benign. Review status: criteria provided, multiple submitters, no conflicts (2 of 4 stars). 3 submissions from 3 submitters: Benign (1); Likely benign (2). Last evaluated 2026-01-19.

Conditions:
Breast-ovarian cancer, familial, susceptibility to, 3. Also called: RAD51C-Related Breast/Ovarian Cancer. Identifiers: Orphanet 145, MedGen C3150659, MONDO:0013253, OMIM 613399.
Hereditary cancer-predisposing syndrome. Also called: Neoplastic Syndromes, Hereditary; Hereditary neoplastic syndrome; Tumor predisposition; Hereditary Cancer Syndrome. Identifiers: Orphanet 140162, MedGen C0027672, MeSH D009386, MONDO:0015356.
Fanconi anemia complementation group O. Also called: RAD51C-Related Fanconi Anemia. Identifiers: Orphanet 84, MedGen C3150653, MONDO:0013248, OMIM 613390.

gnomAD v4.1: 2 of 1,614,188 alleles (0.00012%); highest among the groups gnomAD compares: African/African-American, 0.0013%; no homozygotes.

Submissions (3):

Labcorp Genetics (formerly Invitae), Labcorp
Classification: Likely benign for Fanconi anemia complementation group O. Last evaluated: 2026-01-19. Review status: criteria provided, single submitter. Criteria: Invitae Variant Classification Sherloc (09022015). Collection method: clinical testing. Allele origin: germline.

Myriad Genetics, Inc.
Classification: Benign for Breast-ovarian cancer, familial, susceptibility to, 3. Last evaluated: 2025-02-13. Review status: criteria provided, single submitter. Criteria: Myriad Autosomal Dominant, Autosomal Recessive and X-Linked Classification Criteria (2023). Collection method: clinical testing. Allele origin: unknown.
Comment: This variant is considered benign. This variant is a silent/synonymous amino acid change and it is not expected to impact splicing.

Ambry Genetics
Classification: Likely benign for Hereditary cancer-predisposing syndrome. Last evaluated: 2016-01-04. Review status: criteria provided, single submitter. Criteria: Ambry Variant Classification Scheme 2023. Collection method: clinical testing. Allele origin: germline.